The following is an entry in ClinVar:

ClinVar aggregate classification (germline): Uncertain significance (1 of 4 stars; one submission).

Conditions:
RYR1-related disorder. Also called: RYR1-related condition; RYR1-related disorders. Identifiers: MedGen CN239331.

Allele frequency attached by ClinVar (database versions not stated): TOPMed below 0.00001.

Submission:

Labcorp Genetics (formerly Invitae), Labcorp
Classification: Uncertain significance for RYR1-related disorder. Last evaluated: 2022-03-14. Review status: criteria provided, single submitter. Criteria: Invitae Variant Classification Sherloc (09022015). Collection method: clinical testing. Allele origin: germline.
Comment: This sequence change replaces glutamine, which is neutral and polar, with arginine, which is basic and polar, at codon 3829 of the RYR1 protein (p.Gln3829Arg). This variant is not present in population databases (gnomAD no frequency). This variant has not been reported in the literature in individuals affected with RYR1-related conditions. ClinVar contains an entry for this variant (Variation ID: 1057030). Advanced modeling of protein sequence and biophysical properties (such as structural, functional, and spatial information, amino acid conservation, physicochemical variation, residue mobility, and thermodynamic stability) performed at Invitae indicates that this missense variant is not expected to disrupt RYR1 protein function. In summary, the available evidence is currently insufficient to determine the role of this variant in disease. Therefore, it has been classified as a Variant of Uncertain Significance.

NM_000540.3(RYR1):c.11486A>G (p.Gln3829Arg)

Gene: RYR1 (ryanodine receptor 1; plus strand). Cytogenetic location: 19q13.2.
Variant type: single nucleotide variant.
Coding change: c.11486A>G on transcript NM_000540.3 (MANE Select); coding-DNA position 11486, A replaced by G.
Protein change: p.Gln3829Arg; replaces glutamine 3829 with arginine.
Molecular consequence: missense variant.
Genome position (GRCh38, 1-based): chr19:38,535,362, A>G. VCF-style: chr19-38535362-A-G. GRCh37 (hg19) VCF-style: chr19-39026002-A-G.
Other names: c.11471A>G, p.Gln3824Arg (NM_001042723.2); short protein forms Q3824R, Q3829R.
Identifiers: ClinVar variation 1057030 (VCV001057030.7), dbSNP rs926889814, ClinGen allele CA308085886.